The following is an entry in ClinVar:

ClinVar aggregate classification (germline): Uncertain significance (1 of 4 stars; one submission).

Submission:

Women's Health and Genetics/Laboratory Corporation of America, LabCorp
Classification: Uncertain significance. Last evaluated: 2025-01-31. Review status: criteria provided, single submitter. Criteria: LabCorp Variant Classification Summary - May 2015. Collection method: clinical testing. Allele origin: germline.
Comment: Variant summary: KMT2A c.119T>G (p.Leu40Arg) results in a non-conservative amino acid change in the encoded protein sequence. Four of five in-silico tools predict a benign effect of the variant on protein function. The variant was absent in 4346 control chromosomes. The available data on variant occurrences in the general population are insufficient to allow any conclusion about variant significance. To our knowledge, no occurrence of c.119T>G in individuals affected with Wiedemann-Steiner Syndrome and no experimental evidence demonstrating its impact on protein function have been reported. No submitters have cited clinical-significance assessments for this variant to ClinVar. Based on the evidence outlined above, the variant was classified as uncertain significance.

NM_001197104.2(KMT2A):c.119T>G (p.Leu40Arg)

Gene: KMT2A (lysine methyltransferase 2A; plus strand). Cytogenetic location: 11q23.3.
Variant type: single nucleotide variant.
Coding change: c.119T>G on transcript NM_001197104.2 (MANE Select); coding-DNA position 119, T replaced by G.
Protein change: p.Leu40Arg; replaces leucine 40 with arginine.
Molecular consequence: missense variant.
Genome position (GRCh38, 1-based): chr11:118,436,631, T>G. VCF-style: chr11-118436631-T-G. GRCh37 (hg19) VCF-style: chr11-118307346-T-G.
Other names: c.119T>G, p.Leu40Arg (NM_001412597.1, NM_005933.4); short protein forms L40R.
Identifiers: ClinVar variation 3769505 (VCV003769505.2).